The following is an entry in ClinVar:

NM_001354604.2(MITF):c.398A>G (p.Gln133Arg)

Gene: MITF (melanocyte inducing transcription factor; plus strand). Cytogenetic location: 3p13.
Variant type: single nucleotide variant.
Coding change: c.398A>G on transcript NM_001354604.2 (MANE Select); coding-DNA position 398, A replaced by G.
Protein change: p.Gln133Arg; replaces glutamine 133 with arginine.
Molecular consequence: missense variant.
Genome position (GRCh38, 1-based): chr3:69,937,865, A>G. VCF-style: chr3-69937865-A-G. GRCh37 (hg19) VCF-style: chr3-69987016-A-G.
Other names: c.77A>G, p.Gln26Arg (NM_000248.4, NM_001184968.2, NM_198158.3 and 1 more transcripts); c.242A>G, p.Gln81Arg (NM_001184967.2, NM_001354608.2); c.395A>G, p.Gln132Arg (NM_001354605.2, NM_001354606.2, NM_006722.3); c.347A>G, p.Gln116Arg (NM_001354607.2); c.398A>G, p.Gln133Arg (NM_198159.3); c.350A>G, p.Gln117Arg (NM_198177.3); short protein forms Q116R, Q117R, Q132R, Q133R, Q26R, Q81R.
Identifiers: ClinVar variation 3752721 (VCV003752721.2).
Genomic context (GRCh38, chr3:69,937,865, plus strand): 5'-TCCATGGCTATGTTCAGGTGCAGACCCACCTCGAAAACCCCACCAAGTACCACATACAGC[A>G]AGCCCAACGGCAGCAGGTAAAGCAGTACCTTTCTACCACTTTAGCAAATAAACATGCCAA-3'
Protein context (NP_001341533.1, residues 123-143): LENPTKYHIQ[Gln133Arg]AQRQQVKQYL

ClinVar aggregate classification (germline): Uncertain significance (1 of 4 stars; one submission).

Conditions:
Waardenburg syndrome type 2A (WS2A). Also called: WAARDENBURG SYNDROME WITHOUT DYSTOPIA CANTHORUM. Identifiers: Orphanet 3440, MedGen C1860339, MONDO:0008671, OMIM 193510.
Tietz syndrome (TADS). Also called: ALBINISM-DEAFNESS OF TIETZ; HYPOPIGMENTATION/DEAFNESS OF TIETZ; TIETZ ALBINISM-DEAFNESS SYNDROME. Identifiers: Orphanet 42665, MedGen C0391816, MONDO:0007077, OMIM 103500.
Melanoma, cutaneous malignant, susceptibility to, 8. Also called: MELANOMA AND RENAL CELL CARCINOMA, SUSCEPTIBILITY TO; Cutaneous malignant melanoma 8. Identifiers: Orphanet 293822, MedGen C3152204, MONDO:0013759, OMIM 614456.

Submission:

Labcorp Genetics (formerly Invitae), Labcorp
Classification: Uncertain significance for Melanoma, cutaneous malignant, susceptibility to, 8; Waardenburg syndrome type 2A; Tietz syndrome. Last evaluated: 2024-06-28. Review status: criteria provided, single submitter. Criteria: Invitae Variant Classification Sherloc (09022015). Collection method: clinical testing. Allele origin: germline.
Comment: This sequence change replaces glutamine, which is neutral and polar, with arginine, which is basic and polar, at codon 26 of the MITF protein (p.Gln26Arg). This variant is not present in population databases (gnomAD no frequency). This variant has not been reported in the literature in individuals affected with MITF-related conditions. Advanced modeling of protein sequence and biophysical properties (such as structural, functional, and spatial information, amino acid conservation, physicochemical variation, residue mobility, and thermodynamic stability) has been performed at Invitae for this missense variant, however the output from this modeling did not meet the statistical confidence thresholds required to predict the impact of this variant on MITF protein function. In summary, the available evidence is currently insufficient to determine the role of this variant in disease. Therefore, it has been classified as a Variant of Uncertain Significance.